The following is an entry in ClinVar:

ClinVar aggregate classification (germline): Uncertain significance (1 of 4 stars; one submission).

Conditions:
UCP3-related disorder. Also called: UCP3-related condition.

gnomAD v4.1: 10 of 1,614,014 alleles (0.00062%); highest among the groups gnomAD compares: African/African-American, 0.011%; no homozygotes.

Submission:

PreventionGenetics, part of Exact Sciences
Classification: Uncertain significance for UCP3-related condition. Last evaluated: 2026-04-20. Review status: criteria provided, single submitter. Criteria: ACMG Guidelines, 2015. Collection method: clinical testing. Allele origin: germline.
Comment: The UCP3 c.712G>A variant is predicted to result in the amino acid substitution p.Val238Met. To our knowledge, this variant has not been reported in the literature. This variant is reported in 0.012% of alleles in individuals of African descent in gnomAD. At this time, the clinical significance of this variant is uncertain due to the absence of conclusive functional and genetic evidence.

NM_003356.4(UCP3):c.712G>A (p.Val238Met)

Gene: UCP3 (uncoupling protein 3; minus strand). Cytogenetic location: 11q13.4.
Variant type: single nucleotide variant.
Coding change: c.712G>A on transcript NM_003356.4 (MANE Select); coding-DNA position 712, G replaced by A.
Protein change: p.Val238Met; replaces valine 238 with methionine.
Molecular consequence: missense variant.
Genome position (GRCh38, 1-based): chr11:74,003,939, C>T on the plus strand (G>A on the coding strand, the complement: UCP3 is on the minus strand). VCF-style: chr11-74003939-C-T. GRCh37 (hg19) VCF-style: chr11-73714984-C-T.
Other names: c.712G>A, p.Val238Met (NM_022803.3); short protein forms V238M.
Identifiers: ClinVar variation 4981425 (VCV004981425.1).
Genomic context (GRCh38, chr11:74,003,939, plus strand): 5'-CGAGGGGGCTGAAGTACTGGCCTGGAGGTGAGTTCATATACCGGGTCTTCACCACGTCCA[C>T]CGGGGAGGCCACCACTGTGGCACAGAAGCCGGCTCCAAAGGCAGAGACAAAGTGGCAGGG-3'
Protein context (NP_003347.1, residues 228-248): GFCATVVASP[Val238Met]DVVKTRYMNS